The following is an entry in ClinVar:

ClinVar aggregate classification (germline): Uncertain significance. Review status: criteria provided, multiple submitters, no conflicts (2 of 4 stars). 3 submissions from 3 submitters: Uncertain significance (3). Last evaluated 2024-02-24.

Conditions:
Familial hemophagocytic lymphohistiocytosis 5. Also called: STXBP2-Related Familial Hemophagocytic Lymphohistiocytosis (STXBP2-fHLH). Identifiers: Orphanet 540, MedGen C2751293, MONDO:0013135, OMIM 613101.

Allele frequency attached by ClinVar (database versions not stated): gnomAD exomes 0.00002 and 0.00004; gnomAD 0.00003 and 0.00001; TOPMed 0.00004.
gnomAD v4.1: 35 of 1,555,906 alleles (0.0022%); highest among the groups gnomAD compares: East Asian, 0.017%; no homozygotes.

Submissions (3):

Labcorp Genetics (formerly Invitae), Labcorp
Classification: Uncertain significance for Familial hemophagocytic lymphohistiocytosis 5. Last evaluated: 2024-02-24. Review status: criteria provided, single submitter. Criteria: Invitae Variant Classification Sherloc (09022015). Collection method: clinical testing. Allele origin: germline.
Comment: This sequence change replaces arginine, which is basic and polar, with histidine, which is basic and polar, at codon 192 of the STXBP2 protein (p.Arg192His). The frequency data for this variant in the population databases is considered unreliable, as metrics indicate poor data quality at this position in the gnomAD database. This missense change has been observed in individual(s) with hemophagocytic lymphohistiocytosis (PMID: 27209435, 27781387, 30899265). ClinVar contains an entry for this variant (Variation ID: 659435). Advanced modeling of protein sequence and biophysical properties (such as structural, functional, and spatial information, amino acid conservation, physicochemical variation, residue mobility, and thermodynamic stability) performed at Invitae indicates that this missense variant is not expected to disrupt STXBP2 protein function with a negative predictive value of 80%. In summary, the available evidence is currently insufficient to determine the role of this variant in disease. Therefore, it has been classified as a Variant of Uncertain Significance.

GeneDx
Classification: Uncertain significance. Last evaluated: 2021-06-01. Review status: criteria provided, single submitter. Criteria: GeneDx Variant Classification Process June 2021. Collection method: clinical testing. Allele origin: germline. Affected: yes.
Comment: Identified in multiple individuals with hemophagocytc lymphohistiocytsosis in published literature, but additional information, such as second variants and segregation, was not provided (Xu et al., 2017; Chen et al., 2016; Miao et al., 2019 ); In silico analysis supports that this missense variant has a deleterious effect on protein structure/function; This variant is associated with the following publications: (PMID: 27535533, 32571462, 27781387, 30899265, 27209435)

Illumina Laboratory Services, Illumina
Classification: Uncertain significance for Familial hemophagocytic lymphohistiocytosis 5. Last evaluated: 2017-11-17. Review status: criteria provided, single submitter. Criteria: ICSL Variant Classification Criteria 13 December 2019. Collection method: clinical testing. Allele origin: germline.
Comment: This variant was observed as part of a predisposition screen in an ostensibly healthy population. A literature search was performed for the gene, cDNA change, and amino acid change (where applicable). Publications were found based on this search. However, the evidence from the literature, in combination with allele frequency data from public databases where available, was not sufficient to rule this variant in or out of causing disease. Therefore, this variant is classified as a variant of unknown significance.

Literature cited by the submitters: PubMed 27209435 (cited by Labcorp Genetics (formerly Invitae), Labcorp and Illumina Laboratory Services, Illumina); PubMed 27781387 (cited by Labcorp Genetics (formerly Invitae), Labcorp); PubMed 30899265 (cited by Labcorp Genetics (formerly Invitae), Labcorp).

NM_006949.4(STXBP2):c.575G>A (p.Arg192His)

Gene: STXBP2 (syntaxin binding protein 2; plus strand). Cytogenetic location: 19p13.2.
Variant type: single nucleotide variant.
Coding change: c.575G>A on transcript NM_006949.4 (MANE Select); coding-DNA position 575, G replaced by A.
Protein change: p.Arg192His; replaces arginine 192 with histidine.
Molecular consequence: missense variant. On other transcripts: non-coding transcript variant (1).
Genome position (GRCh38, 1-based): chr19:7,641,850, G>A. VCF-style: chr19-7641850-G-A. GRCh37 (hg19) VCF-style: chr19-7706736-G-A.
Other names: c.566G>A, p.Arg189His (NM_001127396.3); c.608G>A, p.Arg203His (NM_001272034.2); short protein forms R189H, R203H, R192H.
Identifiers: ClinVar variation 659435 (VCV000659435.13), dbSNP rs113860815, ClinGen allele CA304907002.